The following is an entry in ClinVar:

ClinVar aggregate classification (germline): Uncertain significance (1 of 4 stars; one submission).

Conditions:
Very long chain acyl-CoA dehydrogenase deficiency (ACADVLD). Also called: VLCAD Deficiency; Very Long-Chain Acyl-Coenzyme A Dehydrogenase Deficiency. Identifiers: Orphanet 26793, MedGen C3887523, MONDO:0008723, OMIM 201475.

Submission:

Labcorp Genetics (formerly Invitae), Labcorp
Classification: Uncertain significance for Very long chain acyl-CoA dehydrogenase deficiency. Last evaluated: 2022-02-06. Review status: criteria provided, single submitter. Criteria: Invitae Variant Classification Sherloc (09022015). Collection method: clinical testing. Allele origin: germline.
Comment: This sequence change replaces tyrosine, which is neutral and polar, with cysteine, which is neutral and slightly polar, at codon 40 of the ACADVL protein (p.Tyr40Cys). This variant is not present in population databases (gnomAD no frequency). This variant has not been reported in the literature in individuals affected with ACADVL-related conditions. Algorithms developed to predict the effect of missense changes on protein structure and function are either unavailable or do not agree on the potential impact of this missense change (SIFT: "Deleterious"; PolyPhen-2: "Not Available"; Align-GVGD: "Class C0"). In summary, the available evidence is currently insufficient to determine the role of this variant in disease. Therefore, it has been classified as a Variant of Uncertain Significance.

NM_000018.4(ACADVL):c.119A>G (p.Tyr40Cys)

Genes: ACADVL (acyl-CoA dehydrogenase very long chain; plus strand), LOC130060113 (ATAC-STARR-seq lymphoblastoid silent region 8088; plus strand). Cytogenetic location: 17p13.1.
Variant type: single nucleotide variant.
Coding change: c.119A>G on transcript NM_000018.4 (MANE Select); coding-DNA position 119, A replaced by G.
Protein change: p.Tyr40Cys; replaces tyrosine 40 with cysteine.
Molecular consequence: missense variant. On other transcripts: 5 prime UTR variant (1).
Genome position (GRCh38, 1-based): chr17:7,220,178, A>G. VCF-style: chr17-7220178-A-G. GRCh37 (hg19) VCF-style: chr17-7123497-A-G.
Other names: c.119A>G, p.Tyr40Cys (NM_001033859.3); c.188A>G, p.Tyr63Cys (NM_001270447.2); c.-110A>G (NM_001270448.2); short protein forms Y40C, Y63C.
Identifiers: ClinVar variation 2093749 (VCV002093749.1), dbSNP rs2508237308, ClinGen allele CA397722124.